The following is an entry in ClinVar:

ClinVar aggregate classification (germline): Uncertain significance. Review status: criteria provided, multiple submitters, no conflicts (2 of 4 stars). 4 submissions from 4 submitters: Uncertain significance (4). Last evaluated 2023-01-12.

Conditions:
Ataxia-telangiectasia-like disorder (ATLD). Identifiers: MedGen C1858391, MONDO:0011457.
Hereditary cancer-predisposing syndrome. Also called: Neoplastic Syndromes, Hereditary; Tumor predisposition; Hereditary Cancer Syndrome; Hereditary neoplastic syndrome. Identifiers: Orphanet 140162, MedGen C0027672, MeSH D009386, MONDO:0015356.
Ataxia-telangiectasia-like disorder 1 (ATLD1). Identifiers: Orphanet 251347, MedGen C4012790, MONDO:0024557, OMIM 604391.

Allele frequency attached by ClinVar (database versions not stated): gnomAD exomes 0.00001.
gnomAD v4.1: 7 of 1,612,538 alleles (0.00043%); highest among the groups gnomAD compares: African/African-American, 0.0013%; no homozygotes.

Submissions (4):

Ambry Genetics
Classification: Uncertain significance for Hereditary cancer-predisposing syndrome. Last evaluated: 2023-01-12. Review status: criteria provided, single submitter. Criteria: Ambry Variant Classification Scheme 2023. Collection method: clinical testing. Allele origin: germline.
Comment: The p.W243C variant (also known as c.729G>C), located in coding exon 7 of the MRE11A gene, results from a G to C substitution at nucleotide position 729. The tryptophan at codon 243 is replaced by cysteine, an amino acid with highly dissimilar properties. This amino acid position is highly conserved in available vertebrate species. In addition, this alteration is predicted to be deleterious by in silico analysis. Since supporting evidence is limited at this time, the clinical significance of this alteration remains unclear.

Fulgent Genetics
Classification: Uncertain significance for Ataxia-telangiectasia-like disorder 1. Last evaluated: 2022-05-25. Review status: criteria provided, single submitter. Criteria: ACMG Guidelines, 2015. Collection method: clinical testing. Allele origin: unknown.

Labcorp Genetics (formerly Invitae), Labcorp
Classification: Uncertain significance for Ataxia-telangiectasia-like disorder. Last evaluated: 2022-02-25. Review status: criteria provided, single submitter. Criteria: Invitae Variant Classification Sherloc (09022015). Collection method: clinical testing. Allele origin: germline.
Comment: This sequence change replaces tryptophan, which is neutral and slightly polar, with cysteine, which is neutral and slightly polar, at codon 243 of the MRE11 protein (p.Trp243Cys). This variant is not present in population databases (gnomAD no frequency). This variant has not been reported in the literature in individuals affected with MRE11-related conditions. ClinVar contains an entry for this variant (Variation ID: 141911). Algorithms developed to predict the effect of missense changes on protein structure and function (SIFT, PolyPhen-2, Align-GVGD) all suggest that this variant is likely to be disruptive. This variant disrupts the p.Trp243 amino acid residue in MRE11. Other variant(s) that disrupt this residue have been determined to be pathogenic (PMID: 19732584, 23080121, 23912341). This suggests that this residue is clinically significant, and that variants that disrupt this residue are likely to be disease-causing. In summary, the available evidence is currently insufficient to determine the role of this variant in disease. Therefore, it has been classified as a Variant of Uncertain Significance.

GeneDx
Classification: Uncertain significance. Last evaluated: 2019-11-18. Review status: criteria provided, single submitter. Criteria: GeneDx Variant Classification Process June 2021. Collection method: clinical testing. Allele origin: germline. Affected: yes.
Comment: Not observed in large population cohorts (Lek et al., 2016); In silico analysis, which includes protein predictors and evolutionary conservation, supports a deleterious effect; Has not been previously published as pathogenic or benign to our knowledge; This variant is associated with the following publications: (PMID: 19732584)

Literature cited by the submitters: PubMed 19732584 (cited by Ambry Genetics and Labcorp Genetics (formerly Invitae), Labcorp); PubMed 23080121 (cited by Labcorp Genetics (formerly Invitae), Labcorp); PubMed 23912341 (cited by Labcorp Genetics (formerly Invitae), Labcorp).

NM_005591.4(MRE11):c.729G>C (p.Trp243Cys)

Gene: MRE11 (MRE11 double strand break repair nuclease; minus strand). Cytogenetic location: 11q21.
Variant type: single nucleotide variant.
Coding change: c.729G>C on transcript NM_005591.4 (MANE Select); coding-DNA position 729, G replaced by C.
Protein change: p.Trp243Cys; replaces tryptophan 243 with cysteine.
Molecular consequence: missense variant.
Genome position (GRCh38, 1-based): chr11:94,471,690, C>G on the plus strand (G>C on the coding strand, the complement: MRE11 is on the minus strand). VCF-style: chr11-94471690-C-G. GRCh37 (hg19) VCF-style: chr11-94204856-C-G.
Other names: c.729G>C, p.Trp243Cys (NM_001330347.2, NM_005590.4); short protein forms W243C.
Identifiers: ClinVar variation 141911 (VCV000141911.10), dbSNP rs587782105, ClinGen allele CA166765.